The following is an entry in ClinVar:

NM_001267550.2(TTN):c.78979C>T (p.Arg26327Ter)

Genes: TTN-AS1 (TTN antisense RNA 1; plus strand), TTN (titin; minus strand). Cytogenetic location: 2q31.2.
Variant type: single nucleotide variant.
Coding change: c.78979C>T on transcript NM_001267550.2 (MANE Select); coding-DNA position 78979, C replaced by T.
Protein change: p.Arg26327Ter; replaces arginine 26327 with a stop codon.
Molecular consequence: nonsense.
Genome position (GRCh38, 1-based): chr2:178,567,153, G>A on the plus strand (C>T on the coding strand, the complement: TTN is on the minus strand). VCF-style: chr2-178567153-G-A. GRCh37 (hg19) VCF-style: chr2-179431880-G-A.
Other names: c.74056C>T, p.Arg24686Ter (NM_001256850.1); c.51784C>T, p.Arg17262Ter (NM_003319.4); c.71275C>T, p.Arg23759Ter (NM_133378.4); c.52159C>T, p.Arg17387Ter (NM_133432.3); c.52360C>T, p.Arg17454Ter (NM_133437.4); c.78979C>T (NM_001267550.1); short protein forms R23759*, R26327*, R17454*, R17262*, R17387*, R24686*.
Identifiers: ClinVar variation 498278 (VCV000498278.19), dbSNP rs1419374180, ClinGen allele CA349600340.

ClinVar aggregate classification (germline): Pathogenic/Likely pathogenic. Review status: criteria provided, multiple submitters, no conflicts (2 of 4 stars). 8 submissions from 8 submitters: Pathogenic (2); Likely pathogenic (6). Last evaluated 2025-11-27.

Conditions:
Dilated cardiomyopathy 1G (CMD1G). Identifiers: Orphanet 154, MedGen C1858763, MONDO:0011400, OMIM 604145.
Autosomal recessive limb-girdle muscular dystrophy type 2J (LGMDR10). Also called: Limb-girdle muscular dystrophy, type 2J; MUSCULAR DYSTROPHY, LIMB-GIRDLE, AUTOSOMAL RECESSIVE 10. Identifiers: Orphanet 140922, MedGen C1837342, MONDO:0012127, OMIM 608807.
Cardiovascular phenotype. Identifiers: MedGen CN230736.
Primary dilated cardiomyopathy (DCM). Also called: Dilated Cardiomyopathy. Identifiers: Orphanet 217604, MedGen C0007193, MeSH D002311, MONDO:0005021, HP:0001644. Inheritance: Various modes of inheritance.

Allele frequency attached by ClinVar (database versions not stated): gnomAD 0.00001; TOPMed below 0.00001; gnomAD exomes below 0.00001.
gnomAD v4.1: 3 of 1,613,322 alleles (0.00019%); highest among the groups gnomAD compares: South Asian, 0.0011%; no homozygotes.

Submissions (8):

Labcorp Genetics (formerly Invitae), Labcorp
Classification: Likely pathogenic for Dilated cardiomyopathy 1G; Autosomal recessive limb-girdle muscular dystrophy type 2J. Last evaluated: 2025-11-27. Review status: criteria provided, single submitter. Criteria: Invitae Variant Classification Sherloc (09022015). Collection method: clinical testing. Allele origin: germline.
Comment: This sequence change creates a premature translational stop signal (p.Arg26327*) in the TTN gene. While this is not anticipated to result in nonsense mediated decay, it is expected to create a truncated TTN protein. This variant is present in population databases (no rsID available, gnomAD 0.007%). This premature translational stop signal has been observed in individual(s) with dilated cardiomyopathy (PMID: 31317183, 33996946; internal data). ClinVar contains an entry for this variant (Variation ID: 498278). This variant is located in the A band of TTN (PMID: 25589632). Truncating variants in this region are significantly overrepresented in patients affected with dilated cardiomyopathy (PMID: 25589632). Truncating variants in this region have also been reported in individuals affected with autosomal recessive centronuclear myopathy (PMID: 23975875). In summary, the currently available evidence indicates that the variant is pathogenic, but additional data are needed to prove that conclusively. Therefore, this variant has been classified as Likely Pathogenic.

Genomic Medicine Center of Excellence, King Faisal Specialist Hospital and Research Centre
Classification: Pathogenic for Dilated cardiomyopathy 1G. Last evaluated: 2024-12-18. Review status: criteria provided, single submitter. Criteria: ACMG Guidelines, 2015. Collection method: clinical testing. Allele origin: germline.

Ambry Genetics
Classification: Likely pathogenic for Cardiovascular phenotype. Last evaluated: 2024-08-09. Review status: criteria provided, single submitter. Criteria: Ambry Variant Classification Scheme 2023. Collection method: clinical testing. Allele origin: germline.
Comment: The p.R17262* variant (also known as c.51784C>T), located in coding exon 153 of the TTN gene, results from a C to T substitution at nucleotide position 51784. This changes the amino acid from an arginine to a stop codon within coding exon 153. This exon is located in the A-band region of the N2-B isoform of the titin protein and is constitutively expressed in TTN transcripts (percent spliced in or PSI 100%). This variant has been detected in a dilated cardiomyopathy cohort (Augusto JB et al. Eur Heart J Cardiovasc Imaging, 2020 Mar;21:326-336). This variant is considered to be rare based on population cohorts in the Genome Aggregation Database (gnomAD). This alteration is expected to result in loss of function by premature protein truncation or nonsense-mediated mRNA decay. While truncating variants in TTN are present in 1-3% of the general population, truncating variants in the A-band are the most common cause of dilated cardiomyopathy (DCM) (Herman DS et al. N. Engl. J. Med., 2012 Feb;366:619-28; Roberts AM et al. Sci Transl Med, 2015 Jan;7:270ra6). TTN truncating variants encoded in constitutive exons (PSI >90%) have been found to be significantly associated with DCM regardless of their position in titin (Schafer S et al. Nat. Genet., 2017 01;49:46-53). Based on the majority of available evidence to date, this variant is likely to be pathogenic.

Revvity Omics, Revvity
Classification: Likely pathogenic. Last evaluated: 2024-02-27. Review status: criteria provided, single submitter. Criteria: ACMG Guidelines, 2015. Collection method: clinical testing. Allele origin: germline.

GeneDx
Classification: Likely pathogenic. Last evaluated: 2023-08-08. Review status: criteria provided, single submitter. Criteria: GeneDx Variant Classification Process June 2021. Collection method: clinical testing. Allele origin: germline. Affected: yes.
Comment: Identified in a patient with cardiomyopathy in published literature (described as c.51784C>T in NM_003319.4) however, no other genetic, phenotypic, or family information was available (Augusto JB et al., 2019); Nonsense variant predicted to result in protein truncation or nonsense mediated decay in a gene for which loss-of-function is a known mechanism of disease; Not observed at significant frequency in large population cohorts (gnomAD); Located in the A-band region of titin, where the majority of truncating pathogenic variants associated with DCM have been reported (Herman et al., 2012).; This variant is associated with the following publications: (PMID: 22335739, 31317183, 33432171)

Laboratory for Molecular Medicine, Mass General Brigham Personalized Medicine
Classification: Likely pathogenic for Primary dilated cardiomyopathy. Last evaluated: 2018-07-10. Review status: criteria provided, single submitter. Criteria: ACMG Guidelines, 2015. Collection method: clinical testing. Allele origin: germline. Inheritance: Autosomal dominant inheritance.
Comment: The p.Arg23759X variant in TTN has not been previously reported in individuals with DCM, but has been identified 1/15000 European chromosomes by the Genome Aggregation Database (gnomAD). This variant has been reported in ClinVar (Variation ID 498278). This nonsense variant leads to a premature termination codon at position 23759, which is predicted to lead to a truncated or absent protein. Nonsense and other truncating variants in TTN are strongly associated with DCM if they impact the exons encoding for the A-band (Herman 2012, Pugh 2014) and/or are located in an exon that is highly expressed in the heart (Roberts 2015). The p.Arg23759X variant is located in A-band in the highly expressed exon 275. In summary, although additional studies are required to fully establish its clinical significance, the p.Arg23759X variant is likely pathogenic. ACMG/AMP criteria applied: PVS1, PM2.

Eurofins Ntd Llc (ga)
Classification: Likely pathogenic. Last evaluated: 2016-11-03. Review status: criteria provided, single submitter. Criteria: EGL Classification Definitions 2015. Collection method: clinical testing. Allele origin: germline. Observed: 1 variant allele, 1 heterozygote.

Hadassah Hebrew University Medical Center
Classification: Pathogenic for Dilated cardiomyopathy 1G. Review status: criteria provided, single submitter. Criteria: ACMG Guidelines, 2015. Collection method: research. Allele origin: germline. Affected: no. Observed: 1 variant allele.

Literature cited by the submitters: PubMed 31317183 (cited by Labcorp Genetics (formerly Invitae), Labcorp and Ambry Genetics); PubMed 33996946 (cited by Labcorp Genetics (formerly Invitae), Labcorp); PubMed 25589632 (cited by Labcorp Genetics (formerly Invitae), Labcorp); PubMed 23975875 (cited by Labcorp Genetics (formerly Invitae), Labcorp); PubMed 33432171 (cited by Ambry Genetics).